The following is an entry in ClinVar:

NM_005612.5(REST):c.649C>T (p.Arg217Cys)

Gene: REST (RE1 silencing transcription factor; plus strand). Cytogenetic location: 4q12.
Variant type: single nucleotide variant.
Coding change: c.649C>T on transcript NM_005612.5 (MANE Select); coding-DNA position 649, C replaced by T.
Protein change: p.Arg217Cys; replaces arginine 217 with cysteine.
Molecular consequence: missense variant.
Genome position (GRCh38, 1-based): chr4:56,911,287, C>T. VCF-style: chr4-56911287-C-T. GRCh37 (hg19) VCF-style: chr4-57777453-C-T.
Other names: c.649C>T, p.Arg217Cys (NM_001193508.2, NM_001363453.3); short protein forms R217C.
Identifiers: ClinVar variation 1406847 (VCV001406847.10), dbSNP rs376611047, ClinGen allele CA2932138.

ClinVar aggregate classification (germline): Uncertain significance. Review status: criteria provided, multiple submitters, no conflicts (2 of 4 stars). 3 submissions from 3 submitters: Uncertain significance (3). Last evaluated 2026-10-01.

Conditions:
Inborn genetic diseases. Identifiers: MedGen C0950123, MeSH D030342.
Wilms tumor 6 (WT6). Also called: WILMS TUMOR 6, SUSCEPTIBILITY TO. Identifiers: Orphanet 654, MedGen C3891301, MONDO:0014779, OMIM 616806.

Allele frequency attached by ClinVar (database versions not stated): ExAC 0.00002; gnomAD 0.00003; gnomAD exomes 0.00004 and 0.00005; ESP Exome Variant Server 0.00008.

Submissions (3):

St. Jude Molecular Pathology, St. Jude Children's Research Hospital
Classification: Uncertain significance for Wilms tumor 6. Last evaluated: 2026-10-01. Review status: criteria provided, single submitter. Criteria: St. Jude Assertion Criteria 2020. Collection method: clinical testing. Allele origin: germline.
Comment: The REST c.649C>T p.(Arg217Cys) missense change has a maximum subpopulation frequency of 0.01% in gnomAD v2.1.1. The in silico tool REVEL predicts a benign effect on protein function, but to our knowledge this prediction has not been confirmed by functional studies. To our knowledge, this variant has not been reported in individuals with Wilms tumor. In summary, the evidence currently available is insufficient to determine the clinical significance of this variant. It has therefore been classified as of uncertain significance.

Ambry Genetics
Classification: Uncertain significance for Inborn genetic diseases. Last evaluated: 2025-01-09. Review status: criteria provided, single submitter. Criteria: Ambry Variant Classification Scheme 2023. Collection method: clinical testing. Allele origin: germline.

Labcorp Genetics (formerly Invitae), Labcorp
Classification: Uncertain significance. Last evaluated: 2023-04-11. Review status: criteria provided, single submitter. Criteria: Invitae Variant Classification Sherloc (09022015). Collection method: clinical testing. Allele origin: germline.
Comment: This variant has not been reported in the literature in individuals affected with REST-related conditions. This variant is present in population databases (rs376611047, gnomAD 0.006%). This sequence change replaces arginine, which is basic and polar, with cysteine, which is neutral and slightly polar, at codon 217 of the REST protein (p.Arg217Cys). ClinVar contains an entry for this variant (Variation ID: 1406847). In summary, the available evidence is currently insufficient to determine the role of this variant in disease. Therefore, it has been classified as a Variant of Uncertain Significance. An algorithm developed to predict the effect of missense changes on protein structure and function (PolyPhen-2) suggests that this variant is likely to be disruptive.